The following is an entry in ClinVar:

NM_001005242.3(PKP2):c.849C>T (p.Asn283=)

Gene: PKP2 (plakophilin 2; minus strand). Cytogenetic location: 12p11.21.
Variant type: single nucleotide variant.
Coding change: c.849C>T on transcript NM_001005242.3 (MANE Select); coding-DNA position 849, C replaced by T.
Protein change: p.Asn283=; no amino-acid change (asparagine 283 retained).
Molecular consequence: synonymous variant.
Genome position (GRCh38, 1-based): chr12:32,878,031, G>A on the plus strand (C>T on the coding strand, the complement: PKP2 is on the minus strand). VCF-style: chr12-32878031-G-A. GRCh37 (hg19) VCF-style: chr12-33030965-G-A.
Other names: c.849C>T, p.Asn283= (NM_001407155.1, NM_001407156.1, NM_001407157.1 and 2 more transcripts); c.522C>T, p.Asn174= (NM_001407158.1, NM_001407159.1, NM_001407160.1 and 1 more transcripts).
Identifiers: ClinVar variation 1993548 (VCV001993548.5), dbSNP rs1356360851, ClinGen allele CA479387272.

ClinVar aggregate classification (germline): Likely benign. Review status: criteria provided, multiple submitters, no conflicts (2 of 4 stars). 2 submissions from 2 submitters: Likely benign (2). Last evaluated 2023-06-26.

Conditions:
Arrhythmogenic right ventricular cardiomyopathy (ARVD). Also called: Cardiomyopathy, ARVC; Arrhythmogenic cardiomyopathy; Arrhythmogenic Right Ventricular Cardiomyopathy (ARVC); Arrhythmogenic right ventricular dysplasia. Identifiers: Orphanet 247, MedGen C0349788, MeSH D019571, MONDO:0016587. Disease mechanism: loss of function. Inheritance: Various modes of inheritance.
Arrhythmogenic right ventricular dysplasia 9 (ARVD9). Also called: ARRHYTHMOGENIC RIGHT VENTRICULAR DYSPLASIA, FAMILIAL, 9; Arrhythmogenic Right Ventricular Dysplasia/Cardiomyopathy 9. Identifiers: MedGen C1836906, MONDO:0012180, OMIM 609040.

Submissions (2):

All of Us Research Program, National Institutes of Health
Classification: Likely benign for Arrhythmogenic right ventricular cardiomyopathy. Last evaluated: 2023-06-26. Review status: criteria provided, single submitter. Criteria: ACMG Guidelines, 2015. Collection method: clinical testing. Allele origin: germline. Inheritance: Autosomal dominant inheritance. Observed: 1 variant allele, 1 heterozygote.
Comment: This study involves interpretation of variants in research participants for the purpose of population health screening. Participant phenotype was not available at the time of variant classification. Additional details can be found in publication PMID: 35346344, PMCID: PMC8962531

Labcorp Genetics (formerly Invitae), Labcorp
Classification: Likely benign for Arrhythmogenic right ventricular dysplasia 9. Last evaluated: 2022-05-12. Review status: criteria provided, single submitter. Criteria: Invitae Variant Classification Sherloc (09022015). Collection method: clinical testing. Allele origin: germline.